The following is an entry in ClinVar:

NM_006397.3(RNASEH2A):c.637+12C>G

Gene: RNASEH2A (ribonuclease H2 subunit A; plus strand). Cytogenetic location: 19p13.13.
Variant type: single nucleotide variant.
Coding change: c.637+12C>G on transcript NM_006397.3 (MANE Select); 12 bases into the intron after coding-DNA position 637, C replaced by G.
Molecular consequence: intron variant.
Genome position (GRCh38, 1-based): chr19:12,810,416, C>G. VCF-style: chr19-12810416-C-G. GRCh37 (hg19) VCF-style: chr19-12921230-C-G.
Identifiers: ClinVar variation 2058674 (VCV002058674.4), dbSNP rs750100875, ClinGen allele CA2580096626.

ClinVar aggregate classification (germline): Uncertain significance (1 of 4 stars; one submission).

Conditions:
Aicardi-Goutieres syndrome 4. Identifiers: Orphanet 51, MedGen C1835912, MONDO:0012472, OMIM 610333.

Submission:

Labcorp Genetics (formerly Invitae), Labcorp
Classification: Uncertain significance for Aicardi-Goutieres syndrome 4. Last evaluated: 2021-12-24. Review status: criteria provided, single submitter. Criteria: Invitae Variant Classification Sherloc (09022015). Collection method: clinical testing. Allele origin: germline.
Comment: Algorithms developed to predict the effect of sequence changes on RNA splicing suggest that this variant may create or strengthen a splice site. This sequence change falls in intron 6 of the RNASEH2A gene. It does not directly change the encoded amino acid sequence of the RNASEH2A protein. This variant is not present in population databases (gnomAD no frequency). This variant has not been reported in the literature in individuals affected with RNASEH2A-related conditions. In summary, the available evidence is currently insufficient to determine the role of this variant in disease. Therefore, it has been classified as a Variant of Uncertain Significance.